The following is an entry in ClinVar:

ClinVar aggregate classification (germline): Uncertain significance. Review status: criteria provided, multiple submitters, no conflicts (2 of 4 stars). 2 submissions from 2 submitters: Uncertain significance (2). Last evaluated 2025-07-23.

Allele frequency attached by ClinVar (database versions not stated): gnomAD 0.00001; TOPMed 0.00001; ExAC 0.00002; gnomAD exomes 0.00002; ESP Exome Variant Server 0.00008.

Submissions (2):

GeneDx
Classification: Uncertain significance. Last evaluated: 2025-07-23. Review status: criteria provided, single submitter. Criteria: GeneDx Variant Classification Process June 2021. Collection method: clinical testing. Allele origin: germline. Affected: yes.
Comment: In silico analysis suggests that this missense variant does not alter protein structure/function; Has not been previously published as pathogenic or benign in association with a known JAK1-related disorder to our knowledge

Labcorp Genetics (formerly Invitae), Labcorp
Classification: Uncertain significance. Last evaluated: 2025-05-12. Review status: criteria provided, single submitter. Criteria: Invitae Variant Classification Sherloc (09022015). Collection method: clinical testing. Allele origin: germline.
Comment: This sequence change replaces valine, which is neutral and non-polar, with methionine, which is neutral and non-polar, at codon 464 of the JAK1 protein (p.Val464Met). This variant is present in population databases (rs375956046, gnomAD 0.002%). This variant has not been reported in the literature in individuals affected with JAK1-related conditions. ClinVar contains an entry for this variant (Variation ID: 1983396). Invitae Evidence Modeling of protein sequence and biophysical properties (such as structural, functional, and spatial information, amino acid conservation, physicochemical variation, residue mobility, and thermodynamic stability) indicates that this missense variant is not expected to disrupt JAK1 protein function with a negative predictive value of 80%. In summary, the available evidence is currently insufficient to determine the role of this variant in disease. Therefore, it has been classified as a Variant of Uncertain Significance.

NM_002227.4(JAK1):c.1390G>A (p.Val464Met)

Gene: JAK1 (Janus kinase 1; minus strand). Cytogenetic location: 1p31.3.
Variant type: single nucleotide variant.
Coding change: c.1390G>A on transcript NM_002227.4 (MANE Select); coding-DNA position 1390, G replaced by A.
Protein change: p.Val464Met; replaces valine 464 with methionine.
Molecular consequence: missense variant.
Genome position (GRCh38, 1-based): chr1:64,857,724, C>T on the plus strand (G>A on the coding strand, the complement: JAK1 is on the minus strand). VCF-style: chr1-64857724-C-T. GRCh37 (hg19) VCF-style: chr1-65323407-C-T.
Other names: c.1390G>A (NM_002227.2); c.1390G>A, p.Val464Met (NM_001320923.2, NM_001321852.2, NM_001321853.2 and 4 more transcripts); short protein forms V464M.
Identifiers: ClinVar variation 1983396 (VCV001983396.5), dbSNP rs375956046, ClinGen allele CA892946.